The following is an entry in ClinVar:

NM_018975.4(TERF2IP):c.193G>T (p.Ala65Ser)

Gene: TERF2IP (TERF2 interacting protein; plus strand). Cytogenetic location: 16q23.1.
Variant type: single nucleotide variant.
Coding change: c.193G>T on transcript NM_018975.4 (MANE Select); coding-DNA position 193, G replaced by T.
Protein change: p.Ala65Ser; replaces alanine 65 with serine.
Molecular consequence: missense variant. On other transcripts: non-coding transcript variant (1).
Genome position (GRCh38, 1-based): chr16:75,648,075, G>T. VCF-style: chr16-75648075-G-T. GRCh37 (hg19) VCF-style: chr16-75681973-G-T.
Other names: short protein forms A65S.
Identifiers: ClinVar variation 3227159 (VCV003227159.1), dbSNP rs766581433, ClinGen allele CA396817409.

ClinVar aggregate classification (germline): Uncertain significance (1 of 4 stars; one submission).

Submission:

Ambry Genetics
Classification: Uncertain significance. Last evaluated: 2023-12-15. Review status: criteria provided, single submitter. Criteria: Ambry Variant Classification Scheme 2023. Collection method: clinical testing. Allele origin: germline.
Comment: The p.A65S variant (also known as c.193G>T), located in coding exon 1 of the TERF2IP gene, results from a G to T substitution at nucleotide position 193. The alanine at codon 65 is replaced by serine, an amino acid with similar properties. This amino acid position is conserved. In addition, this alteration is predicted to be tolerated by in silico analysis. Since supporting evidence is limited at this time, the clinical significance of this alteration remains unclear.